The following is an entry in ClinVar:

NM_002907.3:c.1066_1067insALU

Gene: RECQL (RecQ like helicase; minus strand).
Variant type: Insertion.
Identifiers: ClinVar variation 2450986 (VCV002450986.2).

ClinVar aggregate classification (germline): Uncertain significance (1 of 4 stars; one submission).

Submission:

Ambry Genetics
Classification: Uncertain significance. Last evaluated: 2023-02-22. Review status: criteria provided, single submitter. Criteria: Ambry Variant Classification Scheme 2023. Collection method: clinical testing. Allele origin: germline.
Comment: The c.1066_1067insAlu variant results from the insertion of an Alu element between nucleotides 1066 and 1067 in coding exon 8 of the RECQL gene. Mobile element insertions contribute to pathogenicity by either disrupting the coding sequence or inducing aberrant splicing (Belancio VP et al. Semin. Cancer Biol. 2010 Aug;20:200-10; Deininger P et al. Genome Biol. 2011 Dec;12:236; van der Klift HM Hum Mutat. 2012 Jul;33(7):1051-5). However, the evidence for this gene-disease relationship is limited; therefore, the clinical significance of this alteration is unclear.